The following is an entry in ClinVar:

ClinVar aggregate classification (germline): Likely benign. Review status: criteria provided, single submitter (1 of 4 stars). 2 submissions from 2 submitters: Likely benign (1). 1 of the submissions does not count toward it. Last evaluated 2025-12-01.

Conditions:
TRPM3-related disorder. Also called: TRPM3-related condition.

Submissions (2):

CeGaT Center for Human Genetics Tuebingen
Classification: Likely benign. Last evaluated: 2025-12-01. Review status: criteria provided, single submitter. Criteria: CeGaT Center For Human Genetics Tuebingen Variant Classification Criteria Version 2. Collection method: clinical testing. Allele origin: germline. Affected: yes. Observed: 1 variant allele.
Comment: TRPM3: PM2:Supporting, BP4, BP7

PreventionGenetics, part of Exact Sciences
Classification: Likely benign for TRPM3-related condition. Last evaluated: 2019-04-25. Review status: no assertion criteria provided. Collection method: clinical testing. Allele origin: germline. Not counted in ClinVar's aggregate classification.
Comment: This variant is classified as likely benign based on ACMG/AMP sequence variant interpretation guidelines (Richards et al. 2015 PMID: 25741868, with internal and published modifications).

NM_001366145.2(TRPM3):c.2529A>T (p.Ala843=)

Gene: TRPM3 (transient receptor potential cation channel subfamily M member 3; minus strand). Cytogenetic location: 9q21.12.
Variant type: single nucleotide variant.
Coding change: c.2529A>T on transcript NM_001366145.2 (MANE Select); coding-DNA position 2529, A replaced by T.
Protein change: p.Ala843=; no amino-acid change (alanine 843 retained).
Molecular consequence: synonymous variant.
Genome position (GRCh38, 1-based): chr9:70,610,747, T>A on the plus strand (A>T on the coding strand, the complement: TRPM3 is on the minus strand). VCF-style: chr9-70610747-T-A. GRCh37 (hg19) VCF-style: chr9-73225663-T-A.
Other names: c.2493A>T, p.Ala831= (NM_001007471.4, NM_001366151.2); c.2499A>T, p.Ala833= (NM_001366141.2, NM_001366143.2, NM_001366149.2); c.2535A>T, p.Ala845= (NM_001366142.2); c.2529A>T, p.Ala843= (NM_001366146.2); c.2604A>T, p.Ala868= (NM_001366147.2, NM_001366152.2); c.2574A>T, p.Ala858= (NM_001366148.2); c.2463A>T, p.Ala821= (NM_001366150.2); c.2070A>T, p.Ala690= (NM_001366154.2, NM_024971.7); and 5 more.
Identifiers: ClinVar variation 3057734 (VCV003057734.7), dbSNP rs2539242821, ClinGen allele CA465259164.